The following is an entry in ClinVar:

NC_000003.12:g.169765054G>T

Genes: TERC (telomerase RNA component; minus strand), LOC110806306 (telomerase RNA component (TERC) promoter; plus strand). Cytogenetic location: 3q26.2.
Variant type: single nucleotide variant.
Genome position: GRCh38 VCF-style: chr3-169765054-G-T. GRCh37 (hg19) VCF-style: chr3-169482842-G-T.
Identifiers: ClinVar variation 410645 (VCV000410645.12), dbSNP rs781517281, ClinGen allele CA16611160.

ClinVar aggregate classification (germline): Uncertain significance (1 of 4 stars; one submission).

Conditions:
Dyskeratosis congenita, autosomal dominant 1 (DKCA1). Also called: Dyskeratosis congenita Scoggins type. Identifiers: Orphanet 1775, MedGen C4551974, MONDO:0007485, OMIM 127550. Inheritance: Variable.

gnomAD v4.1: 5 of 764,380 alleles (0.00065%); highest among the groups gnomAD compares: Admixed American, 0.0017%; no homozygotes.

Submission:

Labcorp Genetics (formerly Invitae), Labcorp
Classification: Uncertain significance for Dyskeratosis congenita, autosomal dominant 1. Last evaluated: 2025-04-08. Review status: criteria provided, single submitter. Criteria: Invitae Variant Classification Sherloc (09022015). Collection method: clinical testing. Allele origin: germline.
Comment: This variant occurs in the TERC gene, which encodes an RNA molecule that does not result in a protein product. The frequency data for this variant in the population databases is considered unreliable, as metrics indicate poor data quality at this position in the gnomAD database. This variant has not been reported in the literature in individuals affected with TERC-related conditions. ClinVar contains an entry for this variant (Variation ID: 410645). This variant is located at the 5’ end of the TERC RNA component (PMID: 15082312, 21844345). The functional significance of this region is not well understood. In summary, the available evidence is currently insufficient to determine the role of this variant in disease. Therefore, it has been classified as a Variant of Uncertain Significance.

Literature cited by the submitters: PubMed 15082312; PubMed 21844345.